The following is an entry in ClinVar:

ClinVar aggregate classification (germline): Uncertain significance. Review status: criteria provided, multiple submitters, no conflicts (2 of 4 stars). 2 submissions from 2 submitters: Uncertain significance (2). Last evaluated 2021-05-19.

Conditions:
3-Methylglutaconic aciduria type 2 (BTHS). Also called: Barth syndrome; CARDIOSKELETAL MYOPATHY WITH NEUTROPENIA AND ABNORMAL MITOCHONDRIA. Identifiers: Orphanet 111, MedGen C0574083, MONDO:0010543, OMIM 302060.

Submissions (4):

Labcorp Genetics (formerly Invitae), Labcorp
Classification: Uncertain significance for 3-Methylglutaconic aciduria type 2. Last evaluated: 2021-05-19. Review status: criteria provided, single submitter. Criteria: Invitae Variant Classification Sherloc (09022015). Collection method: clinical testing. Allele origin: germline.
Comment: This variant has not been reported in the literature in individuals with TAZ-related conditions. ClinVar contains an entry for this variant (Variation ID: 596123). This variant is not present in population databases (ExAC no frequency). This sequence change falls in intron 3 of the TAZ gene. It does not directly change the encoded amino acid sequence of the TAZ protein. It affects a nucleotide within the consensus splice site of the intron. In summary, the available evidence is currently insufficient to determine the role of this variant in disease. Therefore, it has been classified as a Variant of Uncertain Significance. Nucleotide substitutions within the consensus splice site are a relatively common cause of aberrant splicing (PMID: 17576681, 9536098). Algorithms developed to predict the effect of sequence changes on RNA splicing suggest that this variant may disrupt the consensus splice site, but this prediction has not been confirmed by published transcriptional studies.

Eurofins Ntd Llc (ga)
Classification: Uncertain significance. Last evaluated: 2018-03-01. Review status: criteria provided, single submitter. Criteria: EGL ClinVar v180209 classification definitions. Collection method: clinical testing. Allele origin: germline. Observed: 1 variant allele, 1 hemizygote.

Dr. Peter K. Rogan Lab, Western University
No classification provided (evidence only). Condition: Ovarian serous cystadenocarcinoma. Review status: no classification provided. Collection method: in vitro. Allele origin: not applicable. Functional consequence: retained intron. Not counted in ClinVar's aggregate classification.

Dr. Peter K. Rogan Lab, Western University
No classification provided (evidence only). Condition: Ovarian serous cystadenocarcinoma. Review status: no classification provided. Collection method: in vitro. Allele origin: not applicable. Functional consequence: retained intron. Not counted in ClinVar's aggregate classification.

Literature cited by the submitters: PubMed 17576681 (cited by Labcorp Genetics (formerly Invitae), Labcorp); PubMed 9536098 (cited by Labcorp Genetics (formerly Invitae), Labcorp).

NM_000116.5(TAFAZZIN):c.284+3G>C

Gene: TAFAZZIN (tafazzin, phospholipid-lysophospholipid transacylase; plus strand). Cytogenetic location: Xq28.
Variant type: single nucleotide variant.
Coding change: c.284+3G>C on transcript NM_000116.5 (MANE Select); 3 bases into the intron after coding-DNA position 284, G replaced by C.
Molecular consequence: intron variant. On other transcripts: non-coding transcript variant (1).
Genome position (GRCh38, 1-based): chrX:154,413,255, G>C. VCF-style: chrX-154413255-G-C. GRCh37 (hg19) VCF-style: chrX-153641592-G-C.
Other names: c.338+3G>C (NM_001303465.2); c.284+3G>C (NM_181312.4, NM_181311.4, NM_181313.4).
Identifiers: ClinVar variation 596123 (VCV000596123.10), dbSNP rs1569552708, ClinGen allele CA913191262.
Genomic context (GRCh38, chrX:154,413,255, plus strand): 5'-CCTGTCCTCTAGGGATCCTGAAACTCCGCCACATCTGGAACCTGAAGTTGATGCGTTGGT[G>C]AGGAGGAATGGGCCCCTCGAAGTGGGCCGGGCCGGCCCCACCTGCCTCTGCCCAGATTTG-3'